The following is an entry in ClinVar:

ClinVar aggregate classification (germline): Uncertain significance (1 of 4 stars; one submission).

Submission:

Labcorp Genetics (formerly Invitae), Labcorp
Classification: Uncertain significance. Last evaluated: 2022-08-12. Review status: criteria provided, single submitter. Criteria: Invitae Variant Classification Sherloc (09022015). Collection method: clinical testing. Allele origin: germline.
Comment: A copy number gain of the genomic region encompassing the full coding sequence of the CHD4 gene has been identified. The boundaries of this event are unknown as they extend beyond the assayed region for this gene and therefore may encompass additional genes. As the precise location of this event is unknown, it may be in tandem or it may be located elsewhere in the genome. This variant has not been reported in the literature in individuals affected with CHD4-related conditions. In summary, the available evidence is currently insufficient to determine the role of this variant in disease. Therefore, it has been classified as a Variant of Uncertain Significance.

NC_000012.11:g.(?_6679842)_(6715539_?)dup

Gene: CHD4 (chromodomain helicase DNA binding protein 4; minus strand). Cytogenetic location: 12p13.31.
Variant type: Duplication.
Identifiers: ClinVar variation 2424084 (VCV002424084.3).